The following is an entry in ClinVar:

ClinVar aggregate classification (germline): Uncertain significance. Review status: criteria provided, multiple submitters, no conflicts (2 of 4 stars). 7 submissions from 7 submitters: Uncertain significance (6). 1 of the submissions does not count toward it. Last evaluated 2023-04-11.

Conditions:
Hereditary insensitivity to pain with anhidrosis (CIPA). Also called: HSAN Type IV; INSENSITIVITY TO PAIN, CONGENITAL, WITH ANHIDROSIS; hereditary sensory and autonomic neuropathy type 4; FAMILIAL DYSAUTONOMIA, TYPE II; NEUROPATHY, CONGENITAL SENSORY, WITH ANHIDROSIS; NTRK1 Congenital Insensitivity to Pain with Anhidrosis. Identifiers: Orphanet 642, MedGen C0020074, MONDO:0009746, OMIM 256800.
Inborn genetic diseases. Identifiers: MedGen C0950123, MeSH D030342.

Allele frequency attached by ClinVar (database versions not stated): TOPMed 0.00002; ESP Exome Variant Server 0.00008; gnomAD 0.00013.
gnomAD v4.1: 81 of 1,613,496 alleles (0.005%); highest among the groups gnomAD compares: Non-Finnish European, 0.0066%; no homozygotes.

Submissions (7):

Genome-Nilou Lab
Classification: Uncertain significance for Hereditary insensitivity to pain with anhidrosis. Last evaluated: 2023-04-11. Review status: criteria provided, single submitter. Criteria: ACMG Guidelines, 2015. Collection method: clinical testing. Allele origin: germline. Affected: no.

Labcorp Genetics (formerly Invitae), Labcorp
Classification: Uncertain significance for Hereditary insensitivity to pain with anhidrosis. Last evaluated: 2022-03-28. Review status: criteria provided, single submitter. Criteria: Invitae Variant Classification Sherloc (09022015). Collection method: clinical testing. Allele origin: germline.
Comment: This sequence change replaces arginine, which is basic and polar, with cysteine, which is neutral and slightly polar, at codon 577 of the NTRK1 protein (p.Arg577Cys). This variant is present in population databases (rs371344688, gnomAD 0.006%). This variant has not been reported in the literature in individuals affected with NTRK1-related conditions. ClinVar contains an entry for this variant (Variation ID: 643327). Advanced modeling of protein sequence and biophysical properties (such as structural, functional, and spatial information, amino acid conservation, physicochemical variation, residue mobility, and thermodynamic stability) performed at Invitae indicates that this missense variant is not expected to disrupt NTRK1 protein function. In summary, the available evidence is currently insufficient to determine the role of this variant in disease. Therefore, it has been classified as a Variant of Uncertain Significance.

Ambry Genetics
Classification: Uncertain significance for Inborn genetic diseases. Last evaluated: 2020-11-04. Review status: criteria provided, single submitter. Criteria: Ambry Variant Classification Scheme 2023. Collection method: clinical testing. Allele origin: germline.
Comment: The p.R577C variant (also known as c.1729C>T), located in coding exon 13 of the NTRK1 gene, results from a C to T substitution at nucleotide position 1729. The arginine at codon 577 is replaced by cysteine, an amino acid with highly dissimilar properties. This amino acid position is not well conserved in available vertebrate species. In addition, the in silico prediction for this alteration is inconclusive. Since supporting evidence is limited at this time, the clinical significance of this alteration remains unclear.

Mayo Clinic Laboratories, Mayo Clinic
Classification: Uncertain significance. Last evaluated: 2020-01-23. Review status: criteria provided, single submitter. Criteria: ACMG Guidelines, 2015. Collection method: clinical testing. Allele origin: germline. Observed: 1 variant allele.

ARUP Laboratories, Molecular Genetics and Genomics, ARUP Laboratories
Classification: Uncertain significance. Last evaluated: 2019-05-20. Review status: criteria provided, single submitter. Criteria: ARUP Molecular Germline Variant Investigation Process. Collection method: clinical testing. Allele origin: germline.
Comment: The NTRK1 c.1729C>T; p.Arg577Cys variant (rs371344688), to our knowledge, is not reported in the medical literature or gene specific databases. This variant is found in the non-Finnish European population with an allele frequency of 0.007% (9/128348 alleles) in the Genome Aggregation Database. The arginine at codon 577 is moderately conserved, and computational analyses (SIFT, PolyPhen-2) predict that this variant is deleterious. Due to limited information, the clinical significance of the p.Arg577Cys variant is uncertain at this time.

Athena Diagnostics
Classification: Uncertain significance. Last evaluated: 2018-10-09. Review status: criteria provided, single submitter. Criteria: Athena Diagnostics Criteria. Collection method: clinical testing. Allele origin: germline.

Natera, Inc.
Classification: Uncertain significance for Hereditary insensitivity to pain with anhidrosis. Last evaluated: 2021-03-31. Review status: no assertion criteria provided. Collection method: clinical testing. Allele origin: germline. Not counted in ClinVar's aggregate classification.

NM_002529.4(NTRK1):c.1747C>T (p.Arg583Cys)

Gene: NTRK1 (neurotrophic receptor tyrosine kinase 1; plus strand). Cytogenetic location: 1q23.1.
Variant type: single nucleotide variant.
Coding change: c.1747C>T on transcript NM_002529.4 (MANE Select); coding-DNA position 1747, C replaced by T.
Protein change: p.Arg583Cys; replaces arginine 583 with cysteine.
Molecular consequence: missense variant.
Genome position (GRCh38, 1-based): chr1:156,876,514, C>T. VCF-style: chr1-156876514-C-T. GRCh37 (hg19) VCF-style: chr1-156846306-C-T.
Other names: c.1639C>T, p.Arg547Cys (NM_001007792.1); c.1729C>T, p.Arg577Cys (NM_001012331.2); short protein forms R547C, R583C, R577C.
Identifiers: ClinVar variation 643327 (VCV000643327.22), dbSNP rs371344688, ClinGen allele CA1169459.